The following is an entry in ClinVar:

ClinVar aggregate classification (germline): Conflicting classifications of pathogenicity. Review status: criteria provided, conflicting classifications (1 of 4 stars). 3 submissions from 3 submitters: Uncertain significance (1); Likely benign (1). 1 of the submissions does not count toward it. Last evaluated 2026-02-01.

Conditions:
KCNMA1-related disorder. Also called: KCNMA1-related disorders; KCNMA1-related condition.
Generalized epilepsy-paroxysmal dyskinesia syndrome (PNKD3). Also called: Generalized epilepsy and paroxysmal dyskinesia; Paroxysmal nonkinesigenic dyskinesia, 3, with or without generalized epilepsy. Identifiers: Orphanet 79137, MedGen C5574945, MONDO:0012276, OMIM 609446.

Allele frequency attached by ClinVar (database versions not stated): ExAC 0.00008; gnomAD exomes 0.00011; gnomAD 0.00105; TOPMed 0.00127; 1000 Genomes Project 0.00260; 1000 Genomes Project 30x 0.00265.
gnomAD v4.1: 318 of 1,536,184 alleles (0.021%); highest among the groups gnomAD compares: African/African-American, 0.38%; 1 homozygote.

Submissions (3):

CeGaT Center for Human Genetics Tuebingen
Classification: Likely benign. Last evaluated: 2026-02-01. Review status: criteria provided, single submitter. Criteria: CeGaT Center For Human Genetics Tuebingen Variant Classification Criteria Version 2. Collection method: clinical testing. Allele origin: germline. Affected: yes. Observed: 2 variant alleles.
Comment: KCNMA1: BP4, BP7

Institute of Human Genetics, University Hospital of Duesseldorf
Classification: Uncertain significance for Generalized epilepsy-paroxysmal dyskinesia syndrome. Review status: criteria provided, single submitter. Criteria: ACMG Guidelines, 2015. Collection method: not provided. Allele origin: germline. Inheritance: Autosomal dominant inheritance. Affected: yes.

PreventionGenetics, part of Exact Sciences
Classification: Likely benign for KCNMA1-related condition. Last evaluated: 2022-05-20. Review status: no assertion criteria provided. Collection method: clinical testing. Allele origin: germline. Not counted in ClinVar's aggregate classification.
Comment: This variant is classified as likely benign based on ACMG/AMP sequence variant interpretation guidelines (Richards et al. 2015 PMID: 25741868, with internal and published modifications).

NM_001161352.2(KCNMA1):c.378+767C>T

Gene: KCNMA1 (potassium calcium-activated channel subfamily M alpha 1; minus strand). Cytogenetic location: 10q22.3.
Variant type: single nucleotide variant.
Coding change: c.378+767C>T on transcript NM_001161352.2 (MANE Select); 767 bases into the intron after coding-DNA position 378, C replaced by T.
Molecular consequence: intron variant. On other transcripts: 3 prime UTR variant (2), synonymous variant (1), missense variant (1).
Genome position (GRCh38, 1-based): chr10:77,636,498, G>A on the plus strand (C>T on the coding strand, the complement: KCNMA1 is on the minus strand). VCF-style: chr10-77636498-G-A. GRCh37 (hg19) VCF-style: chr10-79396256-G-A.
Other names: c.*245C>T (NM_001271520.2); c.*63C>T (NM_001271521.2); c.396C>T, p.Ser132= (NM_001271522.2); c.563C>T, p.Pro188Leu (NM_001322839.2); c.378+767C>T (NM_001271518.2, NM_001322832.2, NM_001410940.1 and 9 more transcripts); c.563C>T (NM_001322839.1); short protein forms P188L.
Identifiers: ClinVar variation 2640620 (VCV002640620.25), dbSNP rs115273369, ClinGen allele CA5568737.
Genomic context (GRCh38, chr10:77,636,498, plus strand): 5'-TAAAACCGCGGCCTCAGGCGGACTCCCGCTCCAGCTCCGCGCTGCTGGTGGCATTTCCGG[G>A]GACCCAAAGTGGGTGGCCTGGGGGCAAAGGAACAGAGGCCGAAGAACTTGGGGTATGTTC-3'